The following is an entry in ClinVar:

ClinVar aggregate classification (germline): Uncertain significance (1 of 4 stars; one submission).

Conditions:
RYR1-related disorder. Also called: RYR1-related condition; RYR1-related disorders. Identifiers: MedGen CN239331.

gnomAD v4.1: 2 of 1,547,656 alleles (0.00013%); highest among the groups gnomAD compares: South Asian, 0.0024%; no homozygotes.

Submission:

Labcorp Genetics (formerly Invitae), Labcorp
Classification: Uncertain significance for RYR1-related disorder. Last evaluated: 2022-08-30. Review status: criteria provided, single submitter. Criteria: Invitae Variant Classification Sherloc (09022015). Collection method: clinical testing. Allele origin: germline.
Comment: This variant is not present in population databases (gnomAD no frequency). In summary, the available evidence is currently insufficient to determine the role of this variant in disease. Therefore, it has been classified as a Variant of Uncertain Significance. Advanced modeling of protein sequence and biophysical properties (such as structural, functional, and spatial information, amino acid conservation, physicochemical variation, residue mobility, and thermodynamic stability) performed at Invitae indicates that this missense variant is not expected to disrupt RYR1 protein function. This variant has not been reported in the literature in individuals affected with RYR1-related conditions. This sequence change replaces alanine, which is neutral and non-polar, with serine, which is neutral and polar, at codon 1370 of the RYR1 protein (p.Ala1370Ser).

NM_000540.3(RYR1):c.4108G>T (p.Ala1370Ser)

Gene: RYR1 (ryanodine receptor 1; plus strand). Cytogenetic location: 19q13.2.
Variant type: single nucleotide variant.
Coding change: c.4108G>T on transcript NM_000540.3 (MANE Select); coding-DNA position 4108, G replaced by T.
Protein change: p.Ala1370Ser; replaces alanine 1370 with serine.
Molecular consequence: missense variant.
Genome position (GRCh38, 1-based): chr19:38,473,719, G>T. VCF-style: chr19-38473719-G-T. GRCh37 (hg19) VCF-style: chr19-38964359-G-T.
Other names: c.4108G>T, p.Ala1370Ser (NM_001042723.2); short protein forms A1370S.
Identifiers: ClinVar variation 2187703 (VCV002187703.4), dbSNP rs766147636, ClinGen allele CA405643113.